The following is an entry in ClinVar:

ClinVar aggregate classification (germline): Uncertain significance. Review status: criteria provided, multiple submitters, no conflicts (2 of 4 stars). 3 submissions from 3 submitters: Uncertain significance (3). Last evaluated 2026-04-14.

Conditions:
ABCB4-related disorder. Also called: ABCB4-related disorders; ABCB4-related condition.
Familial intrahepatic cholestasis. Identifiers: Orphanet 284385, MedGen CN296401, MONDO:0017290.

Allele frequency attached by ClinVar (database versions not stated): gnomAD exomes below 0.00001; TOPMed 0.00001.
gnomAD v4.1: 2 of 1,611,226 alleles (0.00012%); highest among the groups gnomAD compares: Non-Finnish European, 0.00017%; no homozygotes.

Submissions (3):

Genomenon, Inc
Classification: Uncertain significance for Familial intrahepatic cholestasis. Last evaluated: 2026-04-14. Review status: criteria provided, single submitter. Criteria: Genomenon Sequence Variant Interpretation Standards - Updated. Collection method: curation. Allele origin: germline. Affected: yes.
Comment: ABCB4 c.536+9A>G is an intronic variant located in intron 6. This variant has been observed in at least one proband with an ABCB4-related disorder (PMID:34961929). It is absent or not present at a significant frequency in gnomAD. In silico models predict that this variant is possibly or probably damaging. In conclusion, we classify ABCB4 c.536+9A>G as a variant of uncertain significance.

PreventionGenetics, part of Exact Sciences
Classification: Uncertain significance for ABCB4-related condition. Last evaluated: 2025-11-25. Review status: criteria provided, single submitter. Criteria: ACMG Guidelines, 2015. Collection method: clinical testing. Allele origin: germline.
Comment: The ABCB4 c.536+9A>G variant is predicted to interfere with splicing. This variant is predicted to impact splicing by one available splicing algorithm (SpliceAI, Jaganathan et al. 2019. PubMed ID: 30661751). This variant was previously reported in the homozygous state in an individual with intrahepatic cholestasis (Bakir et al. 2022. PubMed ID: 34961929). This variant is absent from one large population database (gnomAD), indicating that this variant is rare. At this time, the clinical significance of this variant is uncertain due to the absence of conclusive functional and genetic evidence.

Eurofins Ntd Llc (ga)
Classification: Uncertain significance. Last evaluated: 2017-09-13. Review status: criteria provided, single submitter. Criteria: EGL Classification Definitions 2015. Collection method: clinical testing. Allele origin: germline. Observed: 1 variant allele, 1 heterozygote.

Literature cited by the submitters: PubMed 34961929 (cited by Genomenon, Inc).

NM_000443.4(ABCB4):c.536+9A>G

Gene: ABCB4 (ATP binding cassette subfamily B member 4; minus strand). Cytogenetic location: 7q21.12.
Variant type: single nucleotide variant.
Coding change: c.536+9A>G on transcript NM_000443.4 (MANE Select); 9 bases into the intron after coding-DNA position 536, A replaced by G.
Molecular consequence: intron variant.
Genome position (GRCh38, 1-based): chr7:87,452,935, T>C on the plus strand (A>G on the coding strand, the complement: ABCB4 is on the minus strand). VCF-style: chr7-87452935-T-C. GRCh37 (hg19) VCF-style: chr7-87082251-T-C.
Other names: c.536+9A>G (NM_018850.3, NM_018849.3, NM_000443.3).
Identifiers: ClinVar variation 594063 (VCV000594063.7), dbSNP rs1562989394, ClinGen allele CA913189621.
Genomic context (GRCh38, chr7:87,452,935, plus strand): 5'-CTTTCCTTGACATATTTTCACACAGTAATTAATTTCTATATGAAAGTGTGACATTAACAA[T>C]GTACCTACTCTGTTAGCCGCGTATTGAGTTCAGTGGTGTCGTTGATGTCAAACCATCCTA-3'